The following is an entry in ClinVar:

ClinVar aggregate classification (germline): Uncertain significance (1 of 4 stars; one submission).

Conditions:
Myopathy, proximal, and ophthalmoplegia (CMYO6). Also called: MYOPATHY WITH CONGENITAL JOINT CONTRACTURES, OPHTHALMOPLEGIA, AND RIMMED VACUOLES; INCLUSION BODY MYOPATHY 3, AUTOSOMAL DOMINANT; CONGENITAL MYOPATHY 6 WITH OPHTHALMOPLEGIA. Identifiers: Orphanet 363677, Orphanet 79091, MedGen C1854106, MONDO:0011577, OMIM 605637.

gnomAD v4.1: 3 of 1,614,082 alleles (0.00019%); highest among the groups gnomAD compares: Non-Finnish European, 0.00025%; no homozygotes.

Submission:

Labcorp Genetics (formerly Invitae), Labcorp
Classification: Uncertain significance for Myopathy, proximal, and ophthalmoplegia. Last evaluated: 2025-08-01. Review status: criteria provided, single submitter. Criteria: Invitae Variant Classification Sherloc (09022015). Collection method: clinical testing. Allele origin: germline.
Comment: This sequence change replaces glutamic acid, which is acidic and polar, with valine, which is neutral and non-polar, at codon 1351 of the MYH2 protein (p.Glu1351Val). This variant is present in population databases (no rsID available, gnomAD 0.007%). This variant has not been reported in the literature in individuals affected with MYH2-related conditions. Invitae Evidence Modeling of protein sequence and biophysical properties (such as structural, functional, and spatial information, amino acid conservation, physicochemical variation, residue mobility, and thermodynamic stability) indicates that this missense variant is not expected to disrupt MYH2 protein function with a negative predictive value of 80%. In summary, the available evidence is currently insufficient to determine the role of this variant in disease. Therefore, it has been classified as a Variant of Uncertain Significance.

NM_017534.6(MYH2):c.4052A>T (p.Glu1351Val)

Genes: MYH2 (myosin heavy chain 2; minus strand), MYHAS (myosin heavy chain gene cluster antisense RNA; plus strand). Cytogenetic location: 17p13.1.
Variant type: single nucleotide variant.
Coding change: c.4052A>T on transcript NM_017534.6 (MANE Select); coding-DNA position 4052, A replaced by T.
Protein change: p.Glu1351Val; replaces glutamic acid 1351 with valine.
Molecular consequence: missense variant.
Genome position (GRCh38, 1-based): chr17:10,526,734, T>A on the plus strand (A>T on the coding strand, the complement: MYH2 is on the minus strand). VCF-style: chr17-10526734-T-A. GRCh37 (hg19) VCF-style: chr17-10430051-T-A.
Other names: c.4052A>T, p.Glu1351Val (NM_001100112.2); short protein forms E1351V.
Identifiers: ClinVar variation 4806325 (VCV004806325.1).